The following is an entry in ClinVar:

NM_007294.4(BRCA1):c.1418A>T (p.Asn473Ile)

Gene: BRCA1 (BRCA1 DNA repair associated; minus strand). Cytogenetic location: 17q21.31.
Variant type: single nucleotide variant.
Coding change: c.1418A>T on transcript NM_007294.4 (MANE Select); coding-DNA position 1418, A replaced by T.
Protein change: p.Asn473Ile; replaces asparagine 473 with isoleucine.
Molecular consequence: missense variant. On other transcripts: intron variant (137).
Genome position (GRCh38, 1-based): chr17:43,094,113, T>A on the plus strand (A>T on the coding strand, the complement: BRCA1 is on the minus strand). VCF-style: chr17-43094113-T-A. GRCh37 (hg19) VCF-style: chr17-41246130-T-A.
Other names: p.N473I:AAC>ATC; c.1295A>T, p.Asn432Ile (NM_001407667.1, NM_001407668.1, NM_001407669.1 and 19 more transcripts); c.1292A>T, p.Asn431Ile (NM_001407670.1, NM_001407671.1, NM_001407672.1 and 11 more transcripts); c.1418A>T, p.Asn473Ile (NM_001407684.1, NM_001407854.1, NM_001407858.1 and 30 more transcripts); c.1277A>T, p.Asn426Ile (NM_001407692.1, NM_001407694.1, NM_001407695.1 and 29 more transcripts); c.1274A>T, p.Asn425Ile (NM_001407740.1, NM_001407741.1, NM_001407742.1 and 20 more transcripts); c.1205A>T, p.Asn402Ile (NM_001407853.1, NM_001407894.1, NM_001407895.1 and 9 more transcripts); c.1415A>T, p.Asn472Ile (NM_001407860.1, NM_001407861.1, NM_001407587.1 and 22 more transcripts); and 41 more; short protein forms N473I, N426I, N345I, N346I, N361I, N385I, N432I, N470I.
Identifiers: ClinVar variation 54249 (VCV000054249.35), dbSNP rs80357057, ClinGen allele CA000955.

ClinVar aggregate classification (germline): Benign. Review status: reviewed by expert panel (3 of 4 stars). 11 submissions from 11 submitters: Benign (1). 10 of the submissions do not count toward it. Last evaluated 2019-06-18.

Conditions:
Hereditary cancer-predisposing syndrome. Also called: Tumor predisposition; Neoplastic Syndromes, Hereditary; Hereditary Cancer Syndrome; Hereditary neoplastic syndrome. Identifiers: Orphanet 140162, MedGen C0027672, MeSH D009386, MONDO:0015356.
Hereditary breast ovarian cancer syndrome. Also called: Hereditary breast and ovarian cancer syndrome (HBOC); Hereditary breast and ovarian cancer syndrome; Hereditary breast and ovarian cancer; Hereditary breast and/or ovarian cancer syndrome; Breast and ovarian cancer; BRCA1- and BRCA2-Associated Hereditary Breast and Ovarian Cancer. Identifiers: Orphanet 145, MedGen C0677776, MeSH D061325, MONDO:0003582. Disease mechanism: loss of function.
Breast-ovarian cancer, familial, susceptibility to, 1 (BROVCA1). Also called: OVARIAN CANCER, SUSCEPTIBILITY TO; BRCA1 Hereditary Breast and Ovarian Cancer. Identifiers: Orphanet 145, MedGen C2676676, MONDO:0011450, OMIM 604370. Disease mechanism: loss of function.

Allele frequency attached by ClinVar (database versions not stated): TOPMed 0.00002.
gnomAD v4.1: 9 of 1,613,992 alleles (0.00056%); highest among the groups gnomAD compares: African/African-American, 0.004%; no homozygotes.

Submissions (11):

Evidence-based Network for the Interpretation of Germline Mutant Alleles (ENIGMA)
Classification: Benign for Breast-ovarian cancer, familial, susceptibility to, 1. Last evaluated: 2019-06-18. Review status: reviewed by expert panel. Criteria: ENIGMA BRCA1/2 Classification Criteria (2017-06-29). Collection method: curation. Allele origin: germline.
Comment: IARC class based on posterior probability from multifactorial likelihood analysis, thresholds for class as per Plon et al. 2008 (PMID: 18951446). Class 1 based on posterior probability = 0.000525

Labcorp Genetics (formerly Invitae), Labcorp
Classification: Likely benign for Hereditary breast ovarian cancer syndrome. Last evaluated: 2025-10-28. Review status: criteria provided, single submitter. Criteria: Invitae Variant Classification Sherloc (09022015). Collection method: clinical testing. Allele origin: germline. Not counted in ClinVar's aggregate classification.

Women's Health and Genetics/Laboratory Corporation of America, LabCorp
Classification: Uncertain significance. Last evaluated: 2024-11-18. Review status: criteria provided, single submitter. Criteria: LabCorp Variant Classification Summary - May 2015. Collection method: clinical testing. Allele origin: germline. Not counted in ClinVar's aggregate classification.
Comment: Variant summary: BRCA1 c.1418A>T (p.Asn473Ile) results in a non-conservative amino acid change located in the BRCA1, serine-rich domain of the encoded protein sequence. Four of five in-silico tools predict a damaging effect of the variant on protein function. The variant allele was found at a frequency of 1.6e-05 in 251268 control chromosomes in GnomAD. The available data on variant occurrences in the general population are insufficient to allow any conclusion about variant significance. A report from the CAGI5 (fifth Critical Assessment of Genome Interpretation) challenge has classified this variant as benign (IARC class 1) in a prediction protocol that includes assessment of the impact of this variant on splicing and protein function using four sets of predictors (Padilla_2019). c.1418A>T has been reported in the literature in at-least one individual from a study reporting the prevalence of secondary findings in 19 genes to include BRCA1 and 2 among a retrospective "non-cancer" related cohort (Kraemer_2019) and in one individual from a genetic epidemiology study of BRCA across Latin America (Herzog_2021). These reports does not provide unequivocal conclusions about association of the variant with Hereditary Breast And Ovarian Cancer Syndrome. Another study lists this variant as an IARC class 1 (Benign) variant based on a multifactorial likelihood analysis (Parsons_2019). To our knowledge, no experimental evidence demonstrating an impact on protein function has been reported. The following publications have been ascertained in the context of this evaluation (PMID: 31294896, 34413315, 31422574, 31112341, 31131967). ClinVar contains an entry for this variant (Variation ID: 54249). Based on the evidence outlined above, due to absence of concrete functional and clinical evidence, the variant was classified as VUS-possibly benign.

Quest Diagnostics Nichols Institute San Juan Capistrano
Classification: Uncertain significance. Last evaluated: 2024-11-13. Review status: criteria provided, single submitter. Criteria: Quest Diagnostics criteria. Collection method: clinical testing. Allele origin: unknown. Not counted in ClinVar's aggregate classification.
Comment: The BRCA1 c.1418A>T (p.Asn473Ile) variant has been reported in the published literature in at least one individual with a personal or family history of breast or ovarian cancer (PMID: 34413315 (2021)). This variant was reported as being likely benign in a multifactorial likelihood study (PMID: 31131967 (2019)) and has been described to be located in a region of the BRCA1 gene that is tolerant to missense sequence changes (PMID: 31911673 (2020)). The frequency of this variant in the general population, 0.00012 (3/24972 chromosomes (Genome Aggregation Database)), is uninformative in the assessment of its pathogenicity. Analysis of this variant using bioinformatics tools for the prediction of the effect of amino acid changes on protein structure and function yielded conflicting predictions that this variant is benign or damaging. Based on the available information, we are unable to determine the clinical significance of this variant.

GeneDx
Classification: Uncertain significance. Last evaluated: 2024-02-16. Review status: criteria provided, single submitter. Criteria: GeneDx Variant Classification Process June 2021. Collection method: clinical testing. Allele origin: germline. Affected: yes. Not counted in ClinVar's aggregate classification.
Comment: Identified in an individual meeting referral criteria for hereditary cancer genetic testing (PMID: 34413315); In silico analysis supports that this missense variant has a deleterious effect on protein structure/function; Also known as 1537A>T; This variant is associated with the following publications: (PMID: 31294896, 31422574, 31131967, 31112341, 29884841, 32377563, 34413315, 15343273)

All of Us Research Program, National Institutes of Health
Classification: Uncertain significance for Breast-ovarian cancer, familial, susceptibility to, 1. Last evaluated: 2023-11-02. Review status: criteria provided, single submitter. Criteria: ACMG Guidelines, 2015. Collection method: clinical testing. Allele origin: germline. Inheritance: Autosomal dominant inheritance. Observed: 2 variant alleles, 2 heterozygotes. Not counted in ClinVar's aggregate classification.
Comment: This missense variant replaces asparagine with isoleucine at codon 473 of the BRCA1 protein. Computational prediction suggests that this variant may not impact protein structure and function (internally defined REVEL score threshold <= 0.5, PMID: 27666373). To our knowledge, functional studies have not been reported for this variant. This variant has been reported in two individuals with personal or family history of breast, ovarian and other cancer (PMID: 31422574, 34413315). A multifactorial analysis has reported likelihood ratios for pathogenicity based on tumor pathology, co-occurrence with a pathogenic variant and family history of 0.34, 1.1391 and 0.0665, respectively (PMID: 31131967). This variant has been identified in 6/282674 chromosomes in the general population by the Genome Aggregation Database (gnomAD). The available evidence is insufficient to determine the role of this variant in disease conclusively. Therefore, this variant is classified as a Variant of Uncertain Significance.

This study involves interpretation of variants in research participants for the purpose of population health screening. Participant phenotype was not available at the time of variant classification. Additional details can be found in publication PMID: 35346344, PMCID: PMC8962531

Color Diagnostics, LLC DBA Color Health
Classification: Uncertain significance for Hereditary cancer-predisposing syndrome. Last evaluated: 2023-10-20. Review status: criteria provided, single submitter. Criteria: ACMG Guidelines, 2015. Collection method: clinical testing. Allele origin: germline. Not counted in ClinVar's aggregate classification.
Comment: This missense variant replaces asparagine with isoleucine at codon 473 of the BRCA1 protein. Computational prediction suggests that this variant may not impact protein structure and function (internally defined REVEL score threshold <= 0.5, PMID: 27666373). To our knowledge, functional studies have not been reported for this variant. This variant has been reported in two individuals with personal or family history of breast, ovarian and other cancer (PMID: 31422574, 34413315). A multifactorial analysis has reported likelihood ratios for pathogenicity based on tumor pathology, co-occurrence with a pathogenic variant and family history of 0.34, 1.1391 and 0.0665, respectively (PMID: 31131967). This variant has been identified in 6/282674 chromosomes in the general population by the Genome Aggregation Database (gnomAD). The available evidence is insufficient to determine the role of this variant in disease conclusively. Therefore, this variant is classified as a Variant of Uncertain Significance.

Sema4
Classification: Uncertain significance for Hereditary cancer-predisposing syndrome. Last evaluated: 2021-08-18. Review status: criteria provided, single submitter. Criteria: Sema4 Curation Guidelines. Collection method: curation. Allele origin: germline. Not counted in ClinVar's aggregate classification.
Comment: To the best of our knowledge, the BRCA1 c.1418A>T (p.N473I) variant has not been reported in individuals with BRCA1-related disease. This variant was observed in 3/24972 chromosomes in the African/African American subpopulation according to the Genome Aggregation Database (PMID: 32461654). This variant has been reported in ClinVar (Variation ID: 54249). Functional studies have not been performed, and in silico predictions of the variant's effect on protein function are inconclusive. Based on posterior probability from multifactorial likelihood analysis, this variant has a low probability of being pathogenic (PMID: 31131967). The evidence is insufficient to meet ACMG/AMP criteria for classifying the variant as benign or pathogenic. Thus, the clinical significance of this variant is currently uncertain.

Ambry Genetics
Classification: Likely benign for Hereditary cancer-predisposing syndrome. Last evaluated: 2019-08-19. Review status: criteria provided, single submitter. Criteria: Ambry Variant Classification Scheme 2023. Collection method: clinical testing. Allele origin: germline. Not counted in ClinVar's aggregate classification.

Counsyl
Classification: Uncertain significance for Breast-ovarian cancer, familial, susceptibility to, 1. Last evaluated: 2018-02-21. Review status: no assertion criteria provided. Collection method: clinical testing. Allele origin: unknown. Not counted in ClinVar's aggregate classification.

Breast Cancer Information Core (BIC) (BRCA1)
Classification: Uncertain significance for Breast-ovarian cancer, familial 1. Last evaluated: 2004-11-25. Review status: no assertion criteria provided. Collection method: clinical testing. Allele origin: germline. Affected: yes. Observed: 1 variant allele. Not counted in ClinVar's aggregate classification.

Literature cited by the submitters: PubMed 31131967 (cited by 6 submitters); PubMed 31422574 (cited by 4 submitters); PubMed 31112341 (cited by Women's Health and Genetics/Laboratory Corporation of America, LabCorp and Quest Diagnostics Nichols Institute San Juan Capistrano); PubMed 31294896 (cited by Women's Health and Genetics/Laboratory Corporation of America, LabCorp and Quest Diagnostics Nichols Institute San Juan Capistrano); PubMed 34413315 (cited by 4 submitters); PubMed 10923033 (cited by Quest Diagnostics Nichols Institute San Juan Capistrano).